The following is an entry in ClinVar:

NM_152618.3(BBS12):c.1455C>T (p.Asn485=)

Gene: BBS12 (Bardet-Biedl syndrome 12; plus strand). Cytogenetic location: 4q27.
Variant type: single nucleotide variant.
Coding change: c.1455C>T on transcript NM_152618.3 (MANE Select); coding-DNA position 1455, C replaced by T.
Protein change: p.Asn485=; no amino-acid change (asparagine 485 retained).
Molecular consequence: synonymous variant.
Genome position (GRCh38, 1-based): chr4:122,743,347, C>T. VCF-style: chr4-122743347-C-T. GRCh37 (hg19) VCF-style: chr4-123664502-C-T.
Other names: c.1455C>T, p.Asn485= (NM_001178007.2); c.1455C>T (NM_152618.2).
Identifiers: ClinVar variation 1090044 (VCV001090044.8), dbSNP rs769369013, ClinGen allele CA3069451.

ClinVar aggregate classification (germline): Likely benign. Review status: criteria provided, multiple submitters, no conflicts (2 of 4 stars). 2 submissions from 2 submitters: Likely benign (2). Last evaluated 2025-06-23.

Conditions:
BBS12-related disorder. Also called: BBS12-related condition.
Bardet-Biedl syndrome (BBS). Identifiers: Orphanet 110, MedGen C0752166, MONDO:0015229.

Allele frequency attached by ClinVar (database versions not stated): ExAC 0.00002; gnomAD exomes 0.00002.

Submissions (2):

PreventionGenetics, part of Exact Sciences
Classification: Likely benign for BBS12-related condition. Last evaluated: 2025-06-23. Review status: criteria provided, single submitter. Criteria: ACMG Guidelines, 2015. Collection method: clinical testing. Allele origin: germline.
Comment: This variant is classified as likely benign based on ACMG/AMP sequence variant interpretation guidelines (Richards et al. 2015 PMID: 25741868, with internal and published modifications).

Labcorp Genetics (formerly Invitae), Labcorp
Classification: Likely benign for Bardet-Biedl syndrome. Last evaluated: 2023-11-15. Review status: criteria provided, single submitter. Criteria: Invitae Variant Classification Sherloc (09022015). Collection method: clinical testing. Allele origin: germline.